The following is an entry in ClinVar:

ClinVar aggregate classification (germline): Pathogenic (1 of 4 stars; one submission).

Conditions:
Glycine encephalopathy. Also called: Nonketotic hyperglycinemia; Non-ketotic hyperglycinemia. Identifiers: Orphanet 407, MedGen C0751748, MONDO:0011612, HP:0008288.

Submission:

Labcorp Genetics (formerly Invitae), Labcorp
Classification: Pathogenic for Glycine encephalopathy. Last evaluated: 2024-01-18. Review status: criteria provided, single submitter. Criteria: Invitae Variant Classification Sherloc (09022015). Collection method: clinical testing. Allele origin: unknown.
Comment: This variant is a gross deletion of the genomic region encompassing exon(s) 16-22 of the GLDC gene. This deletion is out-of-frame, and is expected to create a premature termination codon and result in an absent or disrupted protein product. Loss-of-function variants in GLDC are known to be pathogenic (PMID: 16601880). This variant has not been reported in the literature in individuals affected with GLDC-related conditions. For these reasons, this variant has been classified as Pathogenic.

Literature cited by the submitters: PubMed 16601880.

NC_000009.11:g.(?_6540031)_(6565449_?)del

Gene: GLDC (glycine decarboxylase; minus strand). Cytogenetic location: 9p24.1.
Variant type: Deletion.
Identifiers: ClinVar variation 3245150 (VCV003245150.1).